The following is an entry in ClinVar:

NM_000091.5(COL4A3):c.399G>A (p.Gly133=)

Genes: MFF-DT (MFF divergent transcript; minus strand), COL4A3 (collagen type IV alpha 3 chain; plus strand). Cytogenetic location: 2q36.3.
Variant type: single nucleotide variant.
Coding change: c.399G>A on transcript NM_000091.5 (MANE Select); coding-DNA position 399, G replaced by A.
Protein change: p.Gly133=; no amino-acid change (glycine 133 retained).
Molecular consequence: synonymous variant.
Genome position (GRCh38, 1-based): chr2:227,246,696, G>A. VCF-style: chr2-227246696-G-A. GRCh37 (hg19) VCF-style: chr2-228111412-G-A.
Other names: p.Gly133=.
Identifiers: ClinVar variation 334756 (VCV000334756.28), dbSNP rs75683214, ClinGen allele CA2146081.

ClinVar aggregate classification (germline): Benign/Likely benign. Review status: criteria provided, multiple submitters, no conflicts (2 of 4 stars). 12 submissions from 12 submitters: Benign (8); Likely benign (1). 3 of the submissions do not count toward it. Last evaluated 2026-02-04.

Conditions:
Alport syndrome. Also called: Hemorrhagic familial nephritis; Hemorrhagic hereditary nephritis; Congenital hereditary hematuria. Identifiers: Orphanet 63, MedGen C1567741, MONDO:0018965.
Focal segmental glomerulosclerosis (FSGS). Also called: Glomerulosclerosis, focal; Focal sclerosis with hyalinosis. Identifiers: MedGen C0017668, MONDO:0100313, HP:0000097. Disease mechanism: loss of function.

Allele frequency attached by ClinVar (database versions not stated): gnomAD exomes 0.00198 and 0.00523; ExAC 0.00664; gnomAD 0.01977 and 0.02133; 1000 Genomes Project 0.02037; 1000 Genomes Project 30x 0.02124; TOPMed 0.02270; ESP Exome Variant Server 0.02297.
gnomAD v4.1: 6,024 of 1,612,114 alleles (0.37%); highest among the groups gnomAD compares: African/African-American, 7.1%; 195 homozygotes.

Submissions (12):

Labcorp Genetics (formerly Invitae), Labcorp
Classification: Benign. Last evaluated: 2026-02-04. Review status: criteria provided, single submitter. Criteria: Invitae Variant Classification Sherloc (09022015). Collection method: clinical testing. Allele origin: germline.

Blueprint Genetics
Classification: Likely benign. Last evaluated: 2024-11-15. Review status: criteria provided, single submitter. Criteria: ACMG Guidelines, 2015. Collection method: clinical testing. Allele origin: germline.

Mayo Clinic Laboratories, Mayo Clinic
Classification: Benign. Last evaluated: 2023-03-26. Review status: criteria provided, single submitter. Criteria: ACMG Guidelines, 2015. Collection method: clinical testing. Allele origin: germline. Observed: 10 variant alleles.

Genome Diagnostics Laboratory, The Hospital for Sick Children
Classification: Benign for Focal segmental glomerulosclerosis. Last evaluated: 2022-08-16. Review status: criteria provided, single submitter. Criteria: ACMG Guidelines, 2015. Collection method: clinical testing. Allele origin: germline.

Athena Diagnostics
Classification: Benign. Last evaluated: 2021-12-01. Review status: criteria provided, single submitter. Criteria: Athena Diagnostics Criteria. Collection method: clinical testing. Allele origin: unknown.

Illumina Laboratory Services, Illumina
Classification: Benign for Alport syndrome. Last evaluated: 2018-01-12. Review status: criteria provided, single submitter. Criteria: ICSL Variant Classification Criteria 13 December 2019. Collection method: clinical testing. Allele origin: germline.
Comment: This variant was observed in the ICSL laboratory as part of a predisposition screen in an ostensibly healthy population. It had not been previously curated by ICSL or reported in the Human Gene Mutation Database (HGMD: prior to June 1st, 2018), and was therefore a candidate for classification through an automated scoring system. Utilizing variant allele frequency, disease prevalence and penetrance estimates, and inheritance mode, an automated score was calculated to assess if this variant is too frequent to cause the disease. Based on the score and internal cut-off values, a variant classified as benign is not then subjected to further curation. The score for this variant resulted in a classification of benign for this disease.

GeneDx
Classification: Benign. Last evaluated: 2017-11-22. Review status: criteria provided, single submitter. Criteria: GeneDx Variant Classification (06012015). Collection method: clinical testing. Allele origin: germline. Affected: yes.
Comment: This variant is considered likely benign or benign based on one or more of the following criteria: it is a conservative change, it occurs at a poorly conserved position in the protein, it is predicted to be benign by multiple in silico algorithms, and/or has population frequency not consistent with disease.

Laboratory for Molecular Medicine, Mass General Brigham Personalized Medicine
Classification: Benign. Last evaluated: 2016-03-21. Review status: criteria provided, single submitter. Criteria: LMM Criteria. Collection method: clinical testing. Allele origin: germline. Observed: 2 variant alleles.
Comment: p.Gly133Gly in exon 7 of COL4A3: This variant is not expected to have clinical s ignificance because it does not alter an amino acid residue, is not located with in the splice consensus sequence, and has been identified in 7.76% (749/9658) of African chromosomes by the Exome Aggregation Consortium (ExAC; dbSNP rs75683214).

Breakthrough Genomics
Classification: Benign. Review status: criteria provided, single submitter. Criteria: ACMG Guidelines, 2015. Collection method: not provided. Allele origin: germline. Inheritance: Autosomal recessive inheritance. Affected: yes.

Natera, Inc.
Classification: Benign for Alport syndrome. Last evaluated: 2020-09-16. Review status: no assertion criteria provided. Collection method: clinical testing. Allele origin: germline. Not counted in ClinVar's aggregate classification.

Genome Diagnostics Laboratory, University Medical Center Utrecht
Classification: Benign. Review status: no assertion criteria provided. Collection method: clinical testing. Allele origin: germline. Affected: yes. Study: VKGL Data-share Consensus. Not counted in ClinVar's aggregate classification.

Joint Genome Diagnostic Labs from Nijmegen and Maastricht, Radboudumc and MUMC+
Classification: Benign. Review status: no assertion criteria provided. Collection method: clinical testing. Allele origin: germline. Affected: yes. Study: VKGL Data-share Consensus. Not counted in ClinVar's aggregate classification.